The following is an entry in ClinVar:

ClinVar aggregate classification (germline): Benign/Likely benign. Review status: criteria provided, multiple submitters, no conflicts (2 of 4 stars). 6 submissions from 6 submitters: Benign (1); Likely benign (4). 1 of the submissions does not count toward it. Last evaluated 2025-08-01.

Conditions:
APC-related disorder. Also called: APC-related condition.
Hereditary cancer-predisposing syndrome. Also called: Neoplastic Syndromes, Hereditary; Hereditary Cancer Syndrome; Tumor predisposition; Hereditary neoplastic syndrome. Identifiers: Orphanet 140162, MedGen C0027672, MeSH D009386, MONDO:0015356.
Familial adenomatous polyposis 1 (FAP1). Also called: POLYPOSIS, ADENOMATOUS INTESTINAL; FAMILIAL ADENOMATOUS POLYPOSIS 1, ATTENUATED. Identifiers: MedGen C2713442, MONDO:0021056, OMIM 175100. Disease mechanism: loss of function.

Allele frequency attached by ClinVar (database versions not stated): gnomAD exomes below 0.00001; ExAC 0.00001; gnomAD 0.00003.
gnomAD v4.1: 2 of 1,613,426 alleles (0.00012%); highest among the groups gnomAD compares: Non-Finnish European, 0.000085%; no homozygotes.

Submissions (6):

CeGaT Center for Human Genetics Tuebingen
Classification: Likely benign. Last evaluated: 2025-08-01. Review status: criteria provided, single submitter. Criteria: CeGaT Center For Human Genetics Tuebingen Variant Classification Criteria Version 2. Collection method: clinical testing. Allele origin: germline. Affected: yes. Observed: 1 variant allele.
Comment: APC: BP4, BP7

Labcorp Genetics (formerly Invitae), Labcorp
Classification: Likely benign for Familial adenomatous polyposis 1. Last evaluated: 2025-07-30. Review status: criteria provided, single submitter. Criteria: Invitae Variant Classification Sherloc (09022015). Collection method: clinical testing. Allele origin: germline.

Myriad Genetics, Inc.
Classification: Benign for Familial adenomatous polyposis 1. Last evaluated: 2024-04-04. Review status: criteria provided, single submitter. Criteria: Myriad Autosomal Dominant, Autosomal Recessive and X-Linked Classification Criteria (2023). Collection method: clinical testing. Allele origin: unknown.
Comment: This variant is considered benign. This variant is a silent/synonymous amino acid change and it is not expected to impact splicing.

GeneDx
Classification: Likely benign. Last evaluated: 2019-04-19. Review status: criteria provided, single submitter. Criteria: GeneDx Variant Classification Process June 2021. Collection method: clinical testing. Allele origin: germline. Affected: yes.

Ambry Genetics
Classification: Likely benign for Hereditary cancer-predisposing syndrome. Last evaluated: 2015-08-17. Review status: criteria provided, single submitter. Criteria: Ambry Variant Classification Scheme 2023. Collection method: clinical testing. Allele origin: germline.

PreventionGenetics, part of Exact Sciences
Classification: Likely benign for APC-related condition. Last evaluated: 2019-11-14. Review status: no assertion criteria provided. Collection method: clinical testing. Allele origin: germline. Not counted in ClinVar's aggregate classification.
Comment: This variant is classified as likely benign based on ACMG/AMP sequence variant interpretation guidelines (Richards et al. 2015 PMID: 25741868, with internal and published modifications).

NM_000038.6(APC):c.6381A>G (p.Gln2127=)

Gene: APC (APC regulator of Wnt signaling pathway; plus strand). Cytogenetic location: 5q22.2.
Variant type: single nucleotide variant.
Coding change: c.6381A>G on transcript NM_000038.6 (MANE Select); coding-DNA position 6381, A replaced by G.
Protein change: p.Gln2127=; no amino-acid change (glutamine 2127 retained).
Molecular consequence: synonymous variant.
Genome position (GRCh38, 1-based): chr5:112,841,975, A>G. VCF-style: chr5-112841975-A-G. GRCh37 (hg19) VCF-style: chr5-112177672-A-G.
Other names: c.6381A>G, p.Gln2127= (NM_001127510.3, NM_001354895.2); c.6327A>G, p.Gln2109= (NM_001127511.3); c.6435A>G, p.Gln2145= (NM_001354896.2); c.6411A>G, p.Gln2137= (NM_001354897.2); c.6306A>G, p.Gln2102= (NM_001354898.2); c.6297A>G, p.Gln2099= (NM_001354899.2); c.6258A>G, p.Gln2086= (NM_001354900.2); c.6204A>G, p.Gln2068= (NM_001354901.2); and 5 more.
Identifiers: ClinVar variation 233432 (VCV000233432.28), dbSNP rs765256868, ClinGen allele CA044456.